The following is an entry in ClinVar:

NM_001082486.2(ACD):c.361del (p.Asp121fs)

Gene: ACD (ACD shelterin complex subunit and telomerase recruitment factor; minus strand). Cytogenetic location: 16q22.1.
Variant type: Deletion.
Coding change: c.361del on transcript NM_001082486.2 (MANE Select); coding-DNA position 361, one base deleted (G; older notation c.361delG).
Protein change: p.Asp121fs; shifts the reading frame from aspartic acid 121.
Molecular consequence: frameshift variant.
Genome position (GRCh38, 1-based): chr16:67,659,589, C deleted on the plus strand (G on the coding strand, the reverse complement: ACD is on the minus strand); the first of 2 consecutive C bases (chr16:67,659,589-67,659,590); deleting either gives the same sequence. VCF-style (leftmost placement, unchanged base first): chr16-67659588-TC-T. GRCh37 (hg19) VCF-style: chr16-67693491-TC-T.
Other names: c.352del, p.Asp118fs (NM_022914.3); short protein forms D118fs, D121fs.
Identifiers: ClinVar variation 992640 (VCV000992640.4), dbSNP rs1303559181, ClinGen allele CA723057977.

ClinVar aggregate classification (germline): Pathogenic (1 of 4 stars; one submission).

Conditions:
Dyskeratosis congenita, autosomal dominant 6 (DKCA6). Identifiers: Orphanet 3322, MedGen C4225284, MONDO:0014690, OMIM 616553.

Submission:

Bertuch Lab, Baylor College of Medicine
Classification: Pathogenic for Dyskeratosis congenita, autosomal dominant 6. Review status: criteria provided, single submitter. Criteria: ACMG Guidelines, 2015. Collection method: clinical testing, in vitro. Allele origin: paternal, unknown, not applicable. Inheritance: Autosomal recessive inheritance. Affected: yes and no. Observed: 2 heterozygotes, 1 compound heterozygote. Clinical features observed: Fetal growth restriction (HP:0001511), Microcephaly (HP:0000252), Failure to thrive (HP:0001508), Delayed speech and language development (HP:0000750), Abnormality of B cell physiology (HP:0005372), Abnormal intestine morphology (HP:0002242), Bone marrow hypocellularity (HP:0005528). Functional consequence: RNA degradation by nonsense-mediated decay.
Comment: This variant consists of deletion of a single nucleotide in exon 4, resulting in frameshift and production of a premature termination codon in exon 5. When heterozygous, this variant, which was studied in a father and son, produced no clinical phenotype. Telomere length by flow-FISH analysis in the two individuals revealed lymphocyte telomere lengths that were within normal range. When compound heterozygous with an in-frame deletion of amino acid E169, this variant resulted in extremely short telomeres and severe clinical phenotypes.